The following is an entry in ClinVar:

NM_000939.4(POMC):c.22C>T (p.Arg8Cys)

Gene: POMC (proopiomelanocortin; minus strand). Cytogenetic location: 2p23.3.
Variant type: single nucleotide variant.
Coding change: c.22C>T on transcript NM_000939.4 (MANE Select); coding-DNA position 22, C replaced by T.
Protein change: p.Arg8Cys; replaces arginine 8 with cysteine.
Molecular consequence: missense variant.
Genome position (GRCh38, 1-based): chr2:25,164,751, G>A on the plus strand (C>T on the coding strand, the complement: POMC is on the minus strand). VCF-style: chr2-25164751-G-A. GRCh37 (hg19) VCF-style: chr2-25387620-G-A.
Other names: c.22C>T, p.Arg8Cys (NM_001035256.3, NM_001319204.2, NM_001319205.2); short protein forms R8C.
Identifiers: ClinVar variation 3046146 (VCV003046146.3), dbSNP rs761386423, ClinGen allele CA43686574.
Genomic context (GRCh38, chr2:25,164,751, plus strand): 5'-ACCAGCCACGCACTTCCATGGAGGCCTGAAGCAGCAAGGCCAGCAACAGGGCCCCCGAGC[G>A]GCTGCAGCACGATCTCGGCATCTTCCAGGCAGGCTGAGGCTCTGCAGAAGCAAACAAGAT-3'
Protein context (NP_000930.1, residues 1-18): MPRSCCS[Arg8Cys]SGALLLALLL

ClinVar aggregate classification (germline): Uncertain significance (1 of 4 stars; one submission).

Conditions:
POMC-related disorder. Also called: POMC-related condition; POMC-related disorders.

Allele frequency attached by ClinVar (database versions not stated): TOPMed below 0.00001; gnomAD exomes 0.00001.
gnomAD v4.1: 19 of 1,614,032 alleles (0.0012%); highest among the groups gnomAD compares: Middle Eastern, 0.017%; no homozygotes.

Submission:

PreventionGenetics, part of Exact Sciences
Classification: Uncertain significance for POMC-related condition. Last evaluated: 2026-04-27. Review status: criteria provided, single submitter. Criteria: ACMG Guidelines, 2015. Collection method: clinical testing. Allele origin: germline.
Comment: The POMC c.22C>T variant is predicted to result in the amino acid substitution p.Arg8Cys. This variant was observed in a cohort of individuals with obesity, and in vitro functional studies showed this variant did not reduce protein function and could cause increased function (Supplemental Data Set 3, Shah et al. 2023. PubMed ID: 36864747). This variant has not been reported in a large population database, indicating this variant is rare. At this time, the clinical significance of this variant is uncertain due to the absence of conclusive functional and genetic evidence.